The following is an entry in ClinVar:

ClinVar aggregate classification (germline): Uncertain significance (1 of 4 stars; one submission).

Submission:

GeneDx
Classification: Uncertain significance. Last evaluated: 2023-03-08. Review status: criteria provided, single submitter. Criteria: GeneDx Variant Classification Process June 2021. Collection method: clinical testing. Allele origin: germline. Affected: yes.
Comment: Not observed at significant frequency in large population cohorts (gnomAD); In silico analysis supports that this missense variant has a deleterious effect on protein structure/function; Has not been previously published as pathogenic or benign to our knowledge

NM_007126.5(VCP):c.1550A>G (p.Tyr517Cys)

Gene: VCP (valosin containing protein; minus strand). Cytogenetic location: 9p13.3.
Variant type: single nucleotide variant.
Coding change: c.1550A>G on transcript NM_007126.5 (MANE Select); coding-DNA position 1550, A replaced by G.
Protein change: p.Tyr517Cys; replaces tyrosine 517 with cysteine.
Molecular consequence: missense variant.
Genome position (GRCh38, 1-based): chr9:35,060,458, T>C on the plus strand (A>G on the coding strand, the complement: VCP is on the minus strand). VCF-style: chr9-35060458-T-C. GRCh37 (hg19) VCF-style: chr9-35060455-T-C.
Other names: c.1415A>G, p.Tyr472Cys (NM_001354927.2, NM_001354928.2); short protein forms Y472C, Y517C.
Identifiers: ClinVar variation 2579447 (VCV002579447.1), dbSNP rs2490351608, ClinGen allele CA373279732.